The following is an entry in ClinVar:

NM_001393982.1(ANKRD36C):c.5554C>T (p.Leu1852=)

Gene: ANKRD36C (ankyrin repeat domain 36C; minus strand). Cytogenetic location: 2q11.1.
Variant type: single nucleotide variant.
Coding change: c.5554C>T on transcript NM_001393982.1 (MANE Select); coding-DNA position 5554, C replaced by T.
Protein change: p.Leu1852=; no amino-acid change (leucine 1852 retained).
Molecular consequence: synonymous variant.
Genome position (GRCh38, 1-based): chr2:95,855,730, G>A on the plus strand (C>T on the coding strand, the complement: ANKRD36C is on the minus strand). VCF-style: chr2-95855730-G-A. GRCh37 (hg19) VCF-style: chr2-96521478-G-A.
Other names: c.5629C>T, p.Leu1877= (NM_001310154.3).
Identifiers: ClinVar variation 4534165 (VCV004534165.6).

ClinVar aggregate classification (germline): Likely benign (1 of 4 stars; one submission).

Submission:

CeGaT Center for Human Genetics Tuebingen
Classification: Likely benign. Last evaluated: 2025-11-01. Review status: criteria provided, single submitter. Criteria: CeGaT Center For Human Genetics Tuebingen Variant Classification Criteria Version 2. Collection method: clinical testing. Allele origin: germline. Affected: yes. Observed: 1 variant allele.
Comment: ANKRD36C: PM2:Supporting, BP4, BP7